The following is an entry in ClinVar:

NM_001367561.1(DOCK7):c.818+5G>A

Gene: DOCK7 (dedicator of cytokinesis 7; minus strand). Cytogenetic location: 1p31.3.
Variant type: single nucleotide variant.
Coding change: c.818+5G>A on transcript NM_001367561.1 (MANE Select); 5 bases into the intron after coding-DNA position 818, G replaced by A.
Molecular consequence: intron variant.
Genome position (GRCh38, 1-based): chr1:62,647,686, C>T on the plus strand (G>A on the coding strand, the complement: DOCK7 is on the minus strand). VCF-style: chr1-62647686-C-T. GRCh37 (hg19) VCF-style: chr1-63113357-C-T.
Other names: c.818+5G>A (NM_001272001.2, NM_001272000.2, NM_033407.4 and 3 more transcripts).
Identifiers: ClinVar variation 3722487 (VCV003722487.2).

ClinVar aggregate classification (germline): Uncertain significance (1 of 4 stars; one submission).

Conditions:
Developmental and epileptic encephalopathy, 23 (DEE23). Also called: Epileptic encephalopathy, early infantile, 23. Identifiers: Orphanet 411986, MedGen C4014492, MONDO:0014371, OMIM 615859.

Submission:

Labcorp Genetics (formerly Invitae), Labcorp
Classification: Uncertain significance for Developmental and epileptic encephalopathy, 23. Last evaluated: 2024-10-08. Review status: criteria provided, single submitter. Criteria: Invitae Variant Classification Sherloc (09022015). Collection method: clinical testing. Allele origin: germline.
Comment: This sequence change falls in intron 7 of the DOCK7 gene. It does not directly change the encoded amino acid sequence of the DOCK7 protein. It affects a nucleotide within the consensus splice site. This variant is not present in population databases (gnomAD no frequency). This variant has not been reported in the literature in individuals affected with DOCK7-related conditions. Variants that disrupt the consensus splice site are a relatively common cause of aberrant splicing (PMID: 17576681, 9536098). Algorithms developed to predict the effect of sequence changes on RNA splicing suggest that this variant may disrupt the consensus splice site. In summary, the available evidence is currently insufficient to determine the role of this variant in disease. Therefore, it has been classified as a Variant of Uncertain Significance.

Literature cited by the submitters: PubMed 17576681; PubMed 9536098.